The following is an entry in ClinVar:

ClinVar aggregate classification (germline): Conflicting classifications of pathogenicity. Review status: criteria provided, conflicting classifications (1 of 4 stars). 8 submissions from 8 submitters: Uncertain significance (1); Benign (2); Likely benign (4). 1 of the submissions does not count toward it. Last evaluated 2026-04-01.

Conditions:
LEPR-related disorder. Also called: LEPR-related condition; LEPR-related disorders.
Obesity due to leptin receptor gene deficiency. Identifiers: Orphanet 179494, MedGen C3554225, MONDO:0013992, OMIM 614963.
Obesity. Also called: Obesity disorder. Identifiers: Orphanet 71529, MedGen C0028754, MeSH D009765, MONDO:0011122, HP:0001513.

Allele frequency attached by ClinVar (database versions not stated): gnomAD 0.00257 and 0.00255; TOPMed 0.00260; 1000 Genomes Project 0.00060; 1000 Genomes Project 30x 0.00062; gnomAD exomes 0.00284 and 0.00432; ExAC 0.00290; ESP Exome Variant Server 0.00377.
gnomAD v4.1: 6,676 of 1,608,442 alleles (0.42%); highest among the groups gnomAD compares: Middle Eastern, 0.57%; 16 homozygotes.

Submissions (8):

CeGaT Center for Human Genetics Tuebingen
Classification: Likely benign. Last evaluated: 2026-04-01. Review status: criteria provided, single submitter. Criteria: CeGaT Center For Human Genetics Tuebingen Variant Classification Criteria Version 2. Collection method: clinical testing. Allele origin: germline. Affected: yes. Observed: 6 variant alleles.
Comment: LEPR: BP4, BP7, BS2

Labcorp Genetics (formerly Invitae), Labcorp
Classification: Benign. Last evaluated: 2026-01-23. Review status: criteria provided, single submitter. Criteria: Invitae Variant Classification Sherloc (09022015). Collection method: clinical testing. Allele origin: germline.

Blueprint Genetics
Classification: Likely benign. Last evaluated: 2024-11-25. Review status: criteria provided, single submitter. Criteria: ACMG Guidelines, 2015. Collection method: clinical testing. Allele origin: germline.

Genetic Services Laboratory, University of Chicago
Classification: Benign. Last evaluated: 2021-06-25. Review status: criteria provided, single submitter. Criteria: ACMG Guidelines, 2015. Collection method: clinical testing. Allele origin: germline. Affected: no.

GeneDx
Classification: Likely benign. Last evaluated: 2020-07-11. Review status: criteria provided, single submitter. Criteria: GeneDx Variant Classification Process June 2021. Collection method: clinical testing. Allele origin: germline. Affected: yes.

Illumina Laboratory Services, Illumina
Classification: Uncertain significance for Obesity due to leptin receptor gene deficiency. Last evaluated: 2018-01-12. Review status: criteria provided, single submitter. Criteria: ICSL Variant Classification Criteria 13 December 2019. Collection method: clinical testing. Allele origin: germline.

Women's Health and Genetics/Laboratory Corporation of America, LabCorp
Classification: Likely benign for Early Onset Obesity. Last evaluated: 2011-08-18. Review status: criteria provided, single submitter. Criteria: LabCorp Variant Classification Summary - May 2015. Collection method: curation, clinical testing. Allele origin: germline. Inheritance: autosomal unknown. Affected: yes.
ClinVar note: Converted during submission from likely benign to Likely benign.

PreventionGenetics, part of Exact Sciences
Classification: Likely benign for LEPR-related condition. Last evaluated: 2020-03-20. Review status: no assertion criteria provided. Collection method: clinical testing. Allele origin: germline. Not counted in ClinVar's aggregate classification.
Comment: This variant is classified as likely benign based on ACMG/AMP sequence variant interpretation guidelines (Richards et al. 2015 PMID: 25741868, with internal and published modifications).

NM_002303.6(LEPR):c.3417A>G (p.Ala1139=)

Gene: LEPR (leptin receptor; plus strand). Cytogenetic location: 1p31.3.
Variant type: single nucleotide variant.
Coding change: c.3417A>G on transcript NM_002303.6 (MANE Select); coding-DNA position 3417, A replaced by G.
Protein change: p.Ala1139=; no amino-acid change (alanine 1139 retained).
Molecular consequence: synonymous variant.
Genome position (GRCh38, 1-based): chr1:65,636,934, A>G. VCF-style: chr1-65636934-A-G. GRCh37 (hg19) VCF-style: chr1-66102617-A-G.
Identifiers: ClinVar variation 36466 (VCV000036466.40), dbSNP rs61781316, ClinGen allele CA214127.